The following is an entry in ClinVar:

NM_003482.4(KMT2D):c.11563G>A (p.Ala3855Thr)

Gene: KMT2D (lysine methyltransferase 2D; minus strand). Cytogenetic location: 12q13.12.
Variant type: single nucleotide variant.
Coding change: c.11563G>A on transcript NM_003482.4 (MANE Select); coding-DNA position 11563, G replaced by A.
Protein change: p.Ala3855Thr; replaces alanine 3855 with threonine.
Molecular consequence: missense variant.
Genome position (GRCh38, 1-based): chr12:49,033,142, C>T on the plus strand (G>A on the coding strand, the complement: KMT2D is on the minus strand). VCF-style: chr12-49033142-C-T. GRCh37 (hg19) VCF-style: chr12-49426925-C-T.
Other names: short protein forms A3855T.
Identifiers: ClinVar variation 4882726 (VCV004882726.2).

ClinVar aggregate classification (germline): Uncertain significance (1 of 4 stars; one submission).

Submission:

Dasa
Classification: Uncertain significance. Last evaluated: 2025-11-19. Review status: criteria provided, single submitter. Criteria: DASA Assertion Criteria. Collection method: clinical testing. Allele origin: germline.
Comment: NM_003482.4(KMT2D):c.11563G>A (p.Ala3855Thr) is a missense variant that results in the substitution of alanine with threonine. This variant is rare in population databases. Computational prediction algorithms are consistent with a benign effect. The currently available literature and clinical evidence are not sufficient to establish a definitive association between this variant and the reported condition. Therefore, this variant is classified as a variant of uncertain significance.